The following is an entry in ClinVar:

ClinVar aggregate classification (germline): Likely pathogenic (1 of 4 stars; one submission).

Conditions:
Cardiovascular phenotype. Identifiers: MedGen CN230736.

Submission:

Ambry Genetics
Classification: Likely pathogenic for Cardiovascular phenotype. Last evaluated: 2020-01-23. Review status: criteria provided, single submitter. Criteria: Ambry Variant Classification Scheme 2023. Collection method: clinical testing. Allele origin: germline.
Comment: The c.34417delG variant, located in coding exon 131 of the TTN gene, results from a deletion of one nucleotide at nucleotide position 34417, causing a translational frameshift with a predicted alternate stop codon (p.E11473Kfs*39). This exon is located in the A-band region of the N2-B isoform of the titin protein and is constitutively expressed in TTN transcripts (percent spliced in or PSI 100%). This alteration is expected to result in loss of function by premature protein truncation or nonsense-mediated mRNA decay. While truncating variants in TTN are present in 1-3% of the general population, truncating variants in the A-band are the most common cause of dilated cardiomyopathy (DCM) (Herman DS et al. N. Engl. J. Med., 2012 Feb;366:619-28; Roberts AM et al. Sci Transl Med, 2015 Jan;7:270ra6). TTN truncating variants encoded in constitutive exons (PSI >90%) have been found to be significantly associated with DCM regardless of their position in titin (Schafer S et al. Nat. Genet., 2017 01;49:46-53). As such, this alteration is classified as likely pathogenic.

NM_001267550.2(TTN):c.61612del (p.Glu20538fs)

Genes: TTN (titin; minus strand), TTN-AS1 (TTN antisense RNA 1; plus strand). Cytogenetic location: 2q31.2.
Variant type: Deletion.
Coding change: c.61612del on transcript NM_001267550.2 (MANE Select); coding-DNA position 61612, one base deleted (G; older notation c.61612delG).
Protein change: p.Glu20538fs; shifts the reading frame from glutamic acid 20538.
Molecular consequence: frameshift variant.
Genome position (GRCh38, 1-based): chr2:178,590,113, C deleted on the plus strand (G on the coding strand, the reverse complement: TTN is on the minus strand). VCF-style (leftmost placement, unchanged base first): chr2-178590112-TC-T. GRCh37 (hg19) VCF-style: chr2-179454839-TC-T.
Other names: c.56689del, p.Glu18897fs (NM_001256850.1); c.34417del, p.Glu11473fs (NM_003319.4); c.53908del, p.Glu17970fs (NM_133378.4); c.34792del, p.Glu11598fs (NM_133432.3); c.34993del, p.Glu11665fs (NM_133437.4); c.34417delG (NM_003319.4); short protein forms E11598fs, E18897fs, E17970fs, E11473fs, E11665fs, E20538fs.
Identifiers: ClinVar variation 1731469 (VCV001731469.2), dbSNP rs2469421735, ClinGen allele CA2580064836.